The following is an entry in ClinVar:

ClinVar aggregate classification (germline): Uncertain significance. Review status: criteria provided, multiple submitters, no conflicts (2 of 4 stars). 3 submissions from 3 submitters: Uncertain significance (3). Last evaluated 2026-09-16.

Conditions:
Nephronophthisis. Also called: Juvenile Nephronophthisis. Identifiers: Orphanet 655, MedGen C0687120, MONDO:0019005, HP:0000090.
Jeune thoracic dystrophy. Also called: Short-rib thoracic dysplasia; Jeune syndrome; Infantile thoracic dystrophy; Thoracic pelvic phalangeal dystrophy; Jeune's syndrome; Chondroectodermal dysplasia-like syndrome. Identifiers: Orphanet 474, MedGen C0265275, MONDO:0018770.
TTC21B-related disorder. Also called: TTC21B-related condition; TTC21B-related disorders.

Allele frequency attached by ClinVar (database versions not stated): gnomAD exomes below 0.00001 and 0.00001; ExAC 0.00001; gnomAD 0.00003; TOPMed 0.00003; ESP Exome Variant Server 0.00008.
gnomAD v4.1: 16 of 1,612,274 alleles (0.00099%); highest among the groups gnomAD compares: African/African-American, 0.0053%; no homozygotes.

Submissions (3):

PreventionGenetics, part of Exact Sciences
Classification: Uncertain significance for TTC21B-related condition. Last evaluated: 2026-09-16. Review status: criteria provided, single submitter. Criteria: ACMG Guidelines, 2015. Collection method: clinical testing. Allele origin: germline.
Comment: The TTC21B c.2971C>T variant is predicted to result in the amino acid substitution p.Arg991Cys. To our knowledge, this variant has not been reported in the literature. This variant is reported in 0.0064% of alleles in individuals of African descent in gnomAD. At this time, the clinical significance of this variant is uncertain due to the absence of conclusive functional and genetic evidence.

Labcorp Genetics (formerly Invitae), Labcorp
Classification: Uncertain significance for Jeune thoracic dystrophy; Nephronophthisis. Last evaluated: 2024-10-07. Review status: criteria provided, single submitter. Criteria: Invitae Variant Classification Sherloc (09022015). Collection method: clinical testing. Allele origin: germline.
Comment: This sequence change replaces arginine, which is basic and polar, with cysteine, which is neutral and slightly polar, at codon 991 of the TTC21B protein (p.Arg991Cys). This variant is present in population databases (rs367876567, gnomAD 0.007%). This variant has not been reported in the literature in individuals affected with TTC21B-related conditions. ClinVar contains an entry for this variant (Variation ID: 1491174). Invitae Evidence Modeling of protein sequence and biophysical properties (such as structural, functional, and spatial information, amino acid conservation, physicochemical variation, residue mobility, and thermodynamic stability) indicates that this missense variant is not expected to disrupt TTC21B protein function with a negative predictive value of 95%. In summary, the available evidence is currently insufficient to determine the role of this variant in disease. Therefore, it has been classified as a Variant of Uncertain Significance.

Blueprint Genetics
Classification: Uncertain significance. Last evaluated: 2024-09-04. Review status: criteria provided, single submitter. Criteria: ACMG Guidelines, 2015. Collection method: clinical testing. Allele origin: germline.

NM_024753.5(TTC21B):c.2971C>T (p.Arg991Cys)

Gene: TTC21B (tetratricopeptide repeat domain 21B; minus strand). Cytogenetic location: 2q24.3.
Variant type: single nucleotide variant.
Coding change: c.2971C>T on transcript NM_024753.5 (MANE Select); coding-DNA position 2971, C replaced by T.
Protein change: p.Arg991Cys; replaces arginine 991 with cysteine.
Molecular consequence: missense variant.
Genome position (GRCh38, 1-based): chr2:165,890,968, G>A on the plus strand (C>T on the coding strand, the complement: TTC21B is on the minus strand). VCF-style: chr2-165890968-G-A. GRCh37 (hg19) VCF-style: chr2-166747478-G-A.
Other names: c.2971C>T (NM_024753.4); short protein forms R991C.
Identifiers: ClinVar variation 1491174 (VCV001491174.8), dbSNP rs367876567, ClinGen allele CA1941627.